The following is an entry in ClinVar:

NM_001371904.1(APOA5):c.652C>A (p.Pro218Thr)

Gene: APOA5 (apolipoprotein A5; minus strand). Cytogenetic location: 11q23.3.
Variant type: single nucleotide variant.
Coding change: c.652C>A on transcript NM_001371904.1 (MANE Select); coding-DNA position 652, C replaced by A.
Protein change: p.Pro218Thr; replaces proline 218 with threonine.
Molecular consequence: missense variant.
Genome position (GRCh38, 1-based): chr11:116,790,577, G>T on the plus strand (C>A on the coding strand, the complement: APOA5 is on the minus strand). VCF-style: chr11-116790577-G-T. GRCh37 (hg19) VCF-style: chr11-116661293-G-T.
Other names: c.652C>A, p.Pro218Thr (NM_001166598.2, NM_052968.5); short protein forms P218T.
Identifiers: ClinVar variation 3414443 (VCV003414443.1).

ClinVar aggregate classification (germline): Uncertain significance (1 of 4 stars; one submission).

Conditions:
Cardiovascular phenotype. Identifiers: MedGen CN230736.

Submission:

Ambry Genetics
Classification: Uncertain significance for Cardiovascular phenotype. Last evaluated: 2024-10-27. Review status: criteria provided, single submitter. Criteria: Ambry Variant Classification Scheme 2023. Collection method: clinical testing. Allele origin: germline.
Comment: The p.P218T variant (also known as c.652C>A), located in coding exon 3 of the APOA5 gene, results from a C to A substitution at nucleotide position 652. The proline at codon 218 is replaced by threonine, an amino acid with highly similar properties. This amino acid position is conserved. In addition, this alteration is predicted to be tolerated by in silico analysis. Based on the available evidence, the clinical significance of this variant remains unclear.